The following is an entry in ClinVar:

ClinVar aggregate classification (germline): Benign/Likely benign. Review status: criteria provided, multiple submitters, no conflicts (2 of 4 stars). 5 submissions from 5 submitters: Benign (2); Likely benign (2). 1 of the submissions does not count toward it. Last evaluated 2025-08-26.

Conditions:
EEF2-related disorder. Also called: EEF2-related condition.

Allele frequency attached by ClinVar (database versions not stated): gnomAD exomes 0.00003 and 0.00005; ExAC 0.00007; ESP Exome Variant Server 0.00008; gnomAD 0.00013 and 0.00014; TOPMed 0.00017; 1000 Genomes Project 30x 0.00031.
gnomAD v4.1: 67 of 1,586,016 alleles (0.0042%); highest among the groups gnomAD compares: African/African-American, 0.054%; no homozygotes.

Submissions (5):

Labcorp Genetics (formerly Invitae), Labcorp
Classification: Likely benign. Last evaluated: 2025-08-26. Review status: criteria provided, single submitter. Criteria: Invitae Variant Classification Sherloc (09022015). Collection method: clinical testing. Allele origin: germline.

Blueprint Genetics
Classification: Likely benign. Last evaluated: 2024-02-20. Review status: criteria provided, single submitter. Criteria: ACMG Guidelines, 2015. Collection method: clinical testing. Allele origin: germline.

Athena Diagnostics
Classification: Benign. Last evaluated: 2017-11-07. Review status: criteria provided, single submitter. Criteria: Athena Diagnostics Criteria. Collection method: clinical testing. Allele origin: germline.

Breakthrough Genomics
Classification: Benign. Review status: criteria provided, single submitter. Criteria: ACMG Guidelines, 2015. Collection method: not provided. Allele origin: germline. Inheritance: Autosomal dominant inheritance. Affected: yes.

PreventionGenetics, part of Exact Sciences
Classification: Likely benign for EEF2-related condition. Last evaluated: 2019-12-06. Review status: no assertion criteria provided. Collection method: clinical testing. Allele origin: germline. Not counted in ClinVar's aggregate classification.
Comment: This variant is classified as likely benign based on ACMG/AMP sequence variant interpretation guidelines (Richards et al. 2015 PMID: 25741868, with internal and published modifications).

NM_001961.4(EEF2):c.2133C>T (p.Ala711=)

Genes: EEF2 (eukaryotic translation elongation factor 2; minus strand), LOC130063169 (ATAC-STARR-seq lymphoblastoid active region 13746; plus strand). Cytogenetic location: 19p13.3.
Variant type: single nucleotide variant.
Coding change: c.2133C>T on transcript NM_001961.4 (MANE Select); coding-DNA position 2133, C replaced by T.
Protein change: p.Ala711=; no amino-acid change (alanine 711 retained).
Molecular consequence: synonymous variant.
Genome position (GRCh38, 1-based): chr19:3,977,545, G>A on the plus strand (C>T on the coding strand, the complement: EEF2 is on the minus strand). VCF-style: chr19-3977545-G-A. GRCh37 (hg19) VCF-style: chr19-3977543-G-A.
Identifiers: ClinVar variation 585827 (VCV000585827.11), dbSNP rs374126801, ClinGen allele CA9088649.